The following is an entry in ClinVar:

ClinVar aggregate classification (germline): Pathogenic/Likely pathogenic. Review status: criteria provided, multiple submitters, no conflicts (2 of 4 stars). 3 submissions from 3 submitters: Pathogenic (2); Likely pathogenic (1). Last evaluated 2023-09-04.

Conditions:
Dilated cardiomyopathy 1GG (CMD1GG). Identifiers: Orphanet 154, MedGen C3150898, MONDO:0013339, OMIM 613642.
Pheochromocytoma/paraganglioma syndrome 5. Also called: Paragangliomas 5; SDHA-Related Hereditary Paraganglioma-Pheochromocytoma Syndrome. Identifiers: Orphanet 29072, MedGen C3279992, MONDO:0013602, OMIM 614165.
Mitochondrial complex II deficiency, nuclear type 1. Also called: SUCCINATE CoQ REDUCTASE DEFICIENCY. Identifiers: Orphanet 3208, MedGen C5700310, MONDO:0100294, OMIM 252011.

Submissions (3):

Labcorp Genetics (formerly Invitae), Labcorp
Classification: Pathogenic for Pheochromocytoma/paraganglioma syndrome 5; Mitochondrial complex II deficiency, nuclear type 1. Last evaluated: 2023-09-04. Review status: criteria provided, single submitter. Criteria: Invitae Variant Classification Sherloc (09022015). Collection method: clinical testing. Allele origin: germline.
Comment: For these reasons, this variant has been classified as Pathogenic. This variant has not been reported in the literature in individuals affected with SDHA-related conditions. This variant is not present in population databases (gnomAD no frequency). This sequence change creates a premature translational stop signal (p.Val57*) in the SDHA gene. It is expected to result in an absent or disrupted protein product. Loss-of-function variants in SDHA are known to be pathogenic (PMID: 22974104, 24781757).

ARUP Laboratories, Molecular Genetics and Genomics, ARUP Laboratories
Classification: Pathogenic. Last evaluated: 2023-07-13. Review status: criteria provided, single submitter. Criteria: ARUP Molecular Germline Variant Investigation Process 2024. Collection method: clinical testing. Allele origin: germline.
Comment: The SDHA c.168del; p.Val57Ter variant, to our knowledge, is not reported in the medical literature or gene specific databases. This variant is also absent from the Genome Aggregation Database, indicating it is not a common polymorphism. This variant induces an early termination codon and is predicted to result in a truncated protein or mRNA subject to nonsense-mediated decay. Additionally, several downstream truncating variants have been described in individuals with GIST and are considered pathogenic (Pantaleo 2022). Based on available information, this variant is considered to be pathogenic. References: Pantaleo MA et al. SDHA Germline Variants in Adult Patients With SDHA-Mutant Gastrointestinal Stromal Tumor. Front Oncol. 2022 Jan 4;11:778461. PMID: 35059314.

Baylor Genetics
Classification: Likely pathogenic for Dilated cardiomyopathy 1GG. Last evaluated: 2022-09-06. Review status: criteria provided, single submitter. Criteria: ACMG Guidelines, 2015. Collection method: clinical testing. Allele origin: unknown.

Literature cited by the submitters: PubMed 22974104 (cited by Labcorp Genetics (formerly Invitae), Labcorp); PubMed 24781757 (cited by Labcorp Genetics (formerly Invitae), Labcorp).

NM_004168.4(SDHA):c.168del (p.Pro56_Val57insTer)

Gene: SDHA (succinate dehydrogenase complex flavoprotein subunit A; plus strand). Cytogenetic location: 5p15.33.
Variant type: Deletion.
Coding change: c.168del on transcript NM_004168.4 (MANE Select); coding-DNA position 168, one base deleted (A; older notation c.168delA).
Protein change: p.Pro56_Val57insTer.
Molecular consequence: frameshift variant.
Genome position (GRCh38, 1-based): chr5:224,377, A deleted. VCF-style (leftmost placement, unchanged base first): chr5-224376-CA-C. GRCh37 (hg19) VCF-style: chr5-224491-CA-C.
Other names: c.168del, p.Pro56_Val57insTer (NM_001294332.2, NM_001330758.2).
Identifiers: ClinVar variation 2678631 (VCV002678631.5), dbSNP rs2477285455, ClinGen allele CA2578252992.